The following is an entry in ClinVar:

NM_012472.6(DNAAF11):c.682C>T (p.Gln228Ter)

Gene: DNAAF11 (dynein axonemal assembly factor 11; minus strand). Cytogenetic location: 8q24.22.
Variant type: single nucleotide variant.
Coding change: c.682C>T on transcript NM_012472.6 (MANE Select); coding-DNA position 682, C replaced by T.
Protein change: p.Gln228Ter; replaces glutamine 228 with a stop codon.
Molecular consequence: nonsense. On other transcripts: non-coding transcript variant (10).
Genome position (GRCh38, 1-based): chr8:132,625,426, G>A on the plus strand (C>T on the coding strand, the complement: DNAAF11 is on the minus strand). VCF-style: chr8-132625426-G-A. GRCh37 (hg19) VCF-style: chr8-133637672-G-A.
Other names: c.682C>T, p.Gln228Ter (NM_001321961.2); c.436C>T, p.Gln146Ter (NM_001321962.2); c.322C>T, p.Gln108Ter (NM_001321963.2, NM_001321964.2, NM_001321965.2 and 1 more transcripts); short protein forms Q108*, Q228*, Q146*.
Identifiers: ClinVar variation 952490 (VCV000952490.7), dbSNP rs1170838072, ClinGen allele CA372294859.

ClinVar aggregate classification (germline): Pathogenic (1 of 4 stars; one submission).

Conditions:
Primary ciliary dyskinesia 19. Also called: CILIARY DYSKINESIA, PRIMARY, 19, WITH OR WITHOUT SITUS INVERSUS. Identifiers: Orphanet 244, MedGen C3543826, MONDO:0013979, OMIM 614935.

Allele frequency attached by ClinVar (database versions not stated): gnomAD exomes below 0.00001.
gnomAD v4.1: 2 of 1,611,040 alleles (0.00012%); highest among the groups gnomAD compares: South Asian, 0.0011%; no homozygotes.

Submission:

Labcorp Genetics (formerly Invitae), Labcorp
Classification: Pathogenic for Primary ciliary dyskinesia 19. Last evaluated: 2019-08-02. Review status: criteria provided, single submitter. Criteria: Invitae Variant Classification Sherloc (09022015). Collection method: clinical testing. Allele origin: germline.
Comment: For these reasons, this variant has been classified as Pathogenic. Loss-of-function variants in LRRC6 are known to be pathogenic (PMID: 23122589). This variant has not been reported in the literature in individuals with LRRC6-related conditions. This variant is not present in population databases (ExAC no frequency). This sequence change creates a premature translational stop signal (p.Gln228*) in the LRRC6 gene. It is expected to result in an absent or disrupted protein product.

Literature cited by the submitters: PubMed 23122589.